The following is an entry in ClinVar:

NM_152564.5(VPS13B):c.4723G>A (p.Val1575Ile)

Gene: VPS13B (vacuolar protein sorting 13 homolog B; plus strand). Cytogenetic location: 8q22.2.
Variant type: single nucleotide variant.
Coding change: c.4723G>A on transcript NM_152564.5 (MANE Select); coding-DNA position 4723, G replaced by A.
Protein change: p.Val1575Ile; replaces valine 1575 with isoleucine.
Molecular consequence: missense variant.
Genome position (GRCh38, 1-based): chr8:99,520,988, G>A. VCF-style: chr8-99520988-G-A. GRCh37 (hg19) VCF-style: chr8-100533216-G-A.
Other names: c.4798G>A, p.Val1600Ile (NM_017890.5); short protein forms V1575I, V1600I.
Identifiers: ClinVar variation 2878849 (VCV002878849.3), dbSNP rs1472281064, ClinGen allele CA371866566.

ClinVar aggregate classification (germline): Uncertain significance (1 of 4 stars; one submission).

Conditions:
Cohen syndrome (COH1). Also called: PEPPER SYNDROME; Cutis verticis gyrata, retinitis pigmentosa, and sensorineural deafness. Identifiers: Orphanet 193, MedGen C0265223, MONDO:0008999, OMIM 216550.

gnomAD v4.1: 1 of 1,613,638 alleles (0.000062%); highest among the groups gnomAD compares: Admixed American, 0.0017%; no homozygotes.

Submission:

Labcorp Genetics (formerly Invitae), Labcorp
Classification: Uncertain significance for Cohen syndrome. Last evaluated: 2023-07-28. Review status: criteria provided, single submitter. Criteria: Invitae Variant Classification Sherloc (09022015). Collection method: clinical testing. Allele origin: germline.
Comment: This variant is present in population databases (no rsID available, gnomAD 0.003%). This sequence change replaces valine, which is neutral and non-polar, with isoleucine, which is neutral and non-polar, at codon 1600 of the VPS13B protein (p.Val1600Ile). This variant has not been reported in the literature in individuals affected with VPS13B-related conditions. In summary, the available evidence is currently insufficient to determine the role of this variant in disease. Therefore, it has been classified as a Variant of Uncertain Significance. Advanced modeling of protein sequence and biophysical properties (such as structural, functional, and spatial information, amino acid conservation, physicochemical variation, residue mobility, and thermodynamic stability) performed at Invitae indicates that this missense variant is not expected to disrupt VPS13B protein function.